The following is an entry in ClinVar:

NM_001079668.3(NKX2-1):c.580C>G (p.Arg194Gly)

Genes: NKX2-1 (NK2 homeobox 1; minus strand), SFTA3 (surfactant associated 3; minus strand). Cytogenetic location: 14q13.3.
Variant type: single nucleotide variant.
Coding change: c.580C>G on transcript NM_001079668.3 (MANE Select); coding-DNA position 580, C replaced by G.
Protein change: p.Arg194Gly; replaces arginine 194 with glycine.
Molecular consequence: missense variant.
Genome position (GRCh38, 1-based): chr14:36,517,904, G>C on the plus strand (C>G on the coding strand, the complement: NKX2-1 is on the minus strand). VCF-style: chr14-36517904-G-C. GRCh37 (hg19) VCF-style: chr14-36987109-G-C.
Other names: c.490C>G, p.Arg164Gly (NM_003317.4); short protein forms R164G, R194G.
Identifiers: ClinVar variation 2758581 (VCV002758581.3), dbSNP rs1881114941, ClinGen allele CA389459502.

ClinVar aggregate classification (germline): Uncertain significance (1 of 4 stars; one submission).

Submission:

Labcorp Genetics (formerly Invitae), Labcorp
Classification: Uncertain significance. Last evaluated: 2023-09-06. Review status: criteria provided, single submitter. Criteria: Invitae Variant Classification Sherloc (09022015). Collection method: clinical testing. Allele origin: germline.
Comment: In summary, the available evidence is currently insufficient to determine the role of this variant in disease. Therefore, it has been classified as a Variant of Uncertain Significance. An algorithm developed to predict the effect of missense changes on protein structure and function (PolyPhen-2) suggests that this variant is likely to be disruptive. This variant has not been reported in the literature in individuals affected with NKX2-1-related conditions. This variant is not present in population databases (gnomAD no frequency). This sequence change replaces arginine, which is basic and polar, with glycine, which is neutral and non-polar, at codon 194 of the NKX2-1 protein (p.Arg194Gly).